The following is an entry in ClinVar:

ClinVar aggregate classification (germline): Uncertain significance (1 of 4 stars; one submission).

Conditions:
Epidermolysis bullosa simplex 5C, with pyloric atresia (EBS5C). Also called: PLEC-Related Epidermolysis Bullosa with Pyloric Atresia; Epidermolysis bullosa simplex with pyloric atresia; PLEC1-Related Epidermolysis Bullosa with Pyloric Atresia. Identifiers: Orphanet 158684, MedGen C2677349, MONDO:0012807, OMIM 612138.
Epidermolysis bullosa simplex 5B, with muscular dystrophy (EBS5B). Also called: Epidermolysis bullosa simplex with muscular dystrophy; EPIDERMOLYSIS BULLOSA SIMPLEX AND LIMB-GIRDLE MUSCULAR DYSTROPHY. Identifiers: Orphanet 257, MedGen C2931072, MONDO:0009181, OMIM 226670.
Epidermolysis bullosa simplex, Ogna type (EBS5A). Also called: Pidermolysis bullosa simplex 5A, Ogna type; EPIDERMOLYSIS BULLOSA SIMPLEX 5A, OGNA TYPE. Identifiers: Orphanet 79401, MedGen C0432317, MONDO:0007555, OMIM 131950.
Autosomal recessive limb-girdle muscular dystrophy type 2Q (LGMDR17). Also called: MUSCULAR DYSTROPHY, LIMB-GIRDLE, AUTOSOMAL RECESSIVE 17. Identifiers: Orphanet 254361, MedGen C3150989, MONDO:0013390, OMIM 613723.
Epidermolysis bullosa simplex with nail dystrophy (EBS5D). Identifiers: MedGen C4225309, MONDO:0014661, OMIM 616487.

Allele frequency attached by ClinVar (database versions not stated): gnomAD exomes below 0.00001; ExAC 0.00001.
gnomAD v4.1: 1 of 1,610,852 alleles (0.000062%); highest among the groups gnomAD compares: East Asian, 0.0022%; no homozygotes.

Submission:

Labcorp Genetics (formerly Invitae), Labcorp
Classification: Uncertain significance for Autosomal recessive limb-girdle muscular dystrophy type 2Q; Epidermolysis bullosa simplex, Ogna type; Epidermolysis bullosa simplex with nail dystrophy; Epidermolysis bullosa simplex 5C, with pyloric atresia; Epidermolysis bullosa simplex 5B, with muscular dystrophy. Last evaluated: 2019-07-09. Review status: criteria provided, single submitter. Criteria: Invitae Variant Classification Sherloc (09022015). Collection method: clinical testing. Allele origin: germline.
Comment: This sequence change replaces valine with methionine at codon 720 of the PLEC protein (p.Val720Met). The valine residue is moderately conserved and there is a small physicochemical difference between valine and methionine. This variant is present in population databases (rs782375414, ExAC 0.01%). This variant has not been reported in the literature in individuals with PLEC-related conditions. Algorithms developed to predict the effect of missense changes on protein structure and function are either unavailable or do not agree on the potential impact of this missense change (SIFT: "Deleterious"; PolyPhen-2: "Not Available"; Align-GVGD: "Class C0"). In summary, the available evidence is currently insufficient to determine the role of this variant in disease. Therefore, it has been classified as a Variant of Uncertain Significance.

NM_201384.3(PLEC):c.2077G>A (p.Val693Met)

Gene: PLEC (plectin; minus strand). Cytogenetic location: 8q24.3.
Variant type: single nucleotide variant.
Coding change: c.2077G>A on transcript NM_201384.3 (MANE Select); coding-DNA position 2077, G replaced by A.
Protein change: p.Val693Met; replaces valine 693 with methionine.
Molecular consequence: missense variant.
Genome position (GRCh38, 1-based): chr8:143,932,135, C>T on the plus strand (G>A on the coding strand, the complement: PLEC is on the minus strand). VCF-style: chr8-143932135-C-T. GRCh37 (hg19) VCF-style: chr8-145006303-C-T.
Other names: c.2158G>A, p.Val720Met (NM_000445.5); c.2035G>A, p.Val679Met (NM_201378.4); c.2011G>A, p.Val671Met (NM_201379.3); c.2488G>A, p.Val830Met (NM_201380.4); c.1981G>A, p.Val661Met (NM_201381.3); c.2077G>A, p.Val693Met (NM_201382.4); c.2089G>A, p.Val697Met (NM_201383.3); short protein forms V830M, V671M, V693M, V697M, V661M, V679M, V720M.
Identifiers: ClinVar variation 952872 (VCV000952872.7), dbSNP rs782375414, ClinGen allele CA4927711.